The following is an entry in ClinVar:

NM_000127.3(EXT1):c.1878C>G (p.Tyr626Ter)

Gene: EXT1 (exostosin glycosyltransferase 1; minus strand). Cytogenetic location: 8q24.11.
Variant type: single nucleotide variant.
Coding change: c.1878C>G on transcript NM_000127.3 (MANE Select); coding-DNA position 1878, C replaced by G.
Protein change: p.Tyr626Ter; replaces tyrosine 626 with a stop codon.
Molecular consequence: nonsense.
Genome position (GRCh38, 1-based): chr8:117,807,222, G>C on the plus strand (C>G on the coding strand, the complement: EXT1 is on the minus strand). VCF-style: chr8-117807222-G-C. GRCh37 (hg19) VCF-style: chr8-118819461-G-C.
Other names: short protein forms Y626*.
Identifiers: ClinVar variation 265132 (VCV000265132.11), dbSNP rs886039357, ClinGen allele CA10588446.

ClinVar aggregate classification (germline): Pathogenic. Review status: criteria provided, multiple submitters, no conflicts (2 of 4 stars). 2 submissions from 2 submitters: Pathogenic (2). Last evaluated 2019-05-04.

Conditions:
Multiple congenital exostosis (EXT). Also called: MULTIPLE CARTILAGINOUS EXOSTOSES; Hereditary multiple osteochondromas; Multiple exostoses; Hereditary multiple exostoses; Hereditary multiple exostosis; Multiple osteochondromas. Identifiers: Orphanet 321, MedGen C0015306, MONDO:0005508, HP:0002762.

Allele frequency attached by ClinVar (database versions not stated): gnomAD exomes below 0.00001.
gnomAD v4.1: 1 of 1,614,176 alleles (0.000062%); highest among the groups gnomAD compares: Non-Finnish European, 0.000085%; no homozygotes.

Submissions (2):

Labcorp Genetics (formerly Invitae), Labcorp
Classification: Pathogenic for Multiple congenital exostosis. Last evaluated: 2019-05-04. Review status: criteria provided, single submitter. Criteria: Invitae Variant Classification Sherloc (09022015). Collection method: clinical testing. Allele origin: germline.
Comment: This sequence change creates a premature translational stop signal (p.Tyr626*) in the EXT1 gene. It is expected to result in an absent or disrupted protein product. This variant is not present in population databases (ExAC no frequency). ClinVar contains an entry for this variant (Variation ID: 265132). Loss-of-function variants in EXT1 are known to be pathogenic (PMID: 10679937, 11391482, 19810120). For these reasons, this variant has been classified as Pathogenic.

GeneDx
Classification: Pathogenic. Last evaluated: 2017-06-07. Review status: criteria provided, single submitter. Criteria: GeneDx Variant Classification (06012015). Collection method: clinical testing. Allele origin: germline. Affected: yes.
Comment: The Y626X nonsense variant in the EXT1 gene has not been published as a pathogenic variant, nor has it been reported as a benign variant to our knowledge. This variant is not observed in large population cohorts (Lek et al., 2016; 1000 Genomes Consortium et al., 2015; Exome Variant Server). This substitution is predicted to cause loss of normal protein function either through protein truncation or nonsense-mediated mRNA decay. Based on currently available evidence, we consider Y626X to be pathogenic.

Literature cited by the submitters: PubMed 10679937 (cited by Labcorp Genetics (formerly Invitae), Labcorp); PubMed 11391482 (cited by Labcorp Genetics (formerly Invitae), Labcorp); PubMed 19810120 (cited by Labcorp Genetics (formerly Invitae), Labcorp).